The following is an entry in ClinVar:

NM_015072.5(TTLL5):c.722A>G (p.Tyr241Cys)

Gene: TTLL5 (tubulin tyrosine ligase like 5; plus strand). Cytogenetic location: 14q24.3.
Variant type: single nucleotide variant.
Coding change: c.722A>G on transcript NM_015072.5 (MANE Select); coding-DNA position 722, A replaced by G.
Protein change: p.Tyr241Cys; replaces tyrosine 241 with cysteine.
Molecular consequence: missense variant.
Genome position (GRCh38, 1-based): chr14:75,707,689, A>G. VCF-style: chr14-75707689-A-G. GRCh37 (hg19) VCF-style: chr14-76174032-A-G.
Other names: short protein forms Y241C.
Identifiers: ClinVar variation 1973056 (VCV001973056.5), dbSNP rs1268833900, ClinGen allele CA390457303.
Genomic context (GRCh38, chr14:75,707,689, plus strand): 5'-AGTTTGACGTGCGCCTCTATGTGCTCGTGACTTCCTATGATCCTCTTGTCATCTATCTCT[A>G]TGAAGAAGGATTGGCTAGGTAAGAAGCTGTTTGGGGGTGAAGGGGTTGGGTGGGTATATT-3'
Protein context (NP_055887.3, residues 231-251): TSYDPLVIYL[Tyr241Cys]EEGLARFATV

ClinVar aggregate classification (germline): Uncertain significance (1 of 4 stars; one submission).

gnomAD v4.1: 4 of 1,565,388 alleles (0.00026%); highest among the groups gnomAD compares: Non-Finnish European, 0.00035%; no homozygotes.

Submission:

Labcorp Genetics (formerly Invitae), Labcorp
Classification: Uncertain significance. Last evaluated: 2025-01-06. Review status: criteria provided, single submitter. Criteria: Invitae Variant Classification Sherloc (09022015). Collection method: clinical testing. Allele origin: germline.
Comment: This sequence change replaces tyrosine, which is neutral and polar, with cysteine, which is neutral and slightly polar, at codon 241 of the TTLL5 protein (p.Tyr241Cys). This variant is present in population databases (no rsID available, gnomAD 0.007%). This variant has not been reported in the literature in individuals affected with TTLL5-related conditions. ClinVar contains an entry for this variant (Variation ID: 1973056). Invitae Evidence Modeling of protein sequence and biophysical properties (such as structural, functional, and spatial information, amino acid conservation, physicochemical variation, residue mobility, and thermodynamic stability) has been performed for this missense variant. However, the output from this modeling did not meet the statistical confidence thresholds required to predict the impact of this variant on TTLL5 protein function. In summary, the available evidence is currently insufficient to determine the role of this variant in disease. Therefore, it has been classified as a Variant of Uncertain Significance.